The following is an entry in ClinVar:

NM_018127.7(ELAC2):c.1796T>C (p.Leu599Pro)

Gene: ELAC2 (elaC ribonuclease Z 2; minus strand). Cytogenetic location: 17p12.
Variant type: single nucleotide variant.
Coding change: c.1796T>C on transcript NM_018127.7 (MANE Select); coding-DNA position 1796, T replaced by C.
Protein change: p.Leu599Pro; replaces leucine 599 with proline.
Molecular consequence: missense variant.
Genome position (GRCh38, 1-based): chr17:12,995,715, A>G on the plus strand (T>C on the coding strand, the complement: ELAC2 is on the minus strand). VCF-style: chr17-12995715-A-G. GRCh37 (hg19) VCF-style: chr17-12899032-A-G.
Other names: c.1676T>C, p.Leu559Pro (NM_001165962.2); c.1793T>C, p.Leu598Pro (NM_173717.2); short protein forms L559P, L598P, L599P.
Identifiers: ClinVar variation 1383802 (VCV001383802.5), dbSNP rs2143561613, ClinGen allele CA398223504.

ClinVar aggregate classification (germline): Uncertain significance (1 of 4 stars; one submission).

Conditions:
Combined oxidative phosphorylation defect type 17. Also called: Combined oxidative phosphorylation deficiency 17. Identifiers: Orphanet 369913, MedGen C3809526, MONDO:0014190, OMIM 615440.

Submission:

Labcorp Genetics (formerly Invitae), Labcorp
Classification: Uncertain significance for Combined oxidative phosphorylation defect type 17. Last evaluated: 2021-09-29. Review status: criteria provided, single submitter. Criteria: Invitae Variant Classification Sherloc (09022015). Collection method: clinical testing. Allele origin: germline.
Comment: This sequence change replaces leucine with proline at codon 599 of the ELAC2 protein (p.Leu599Pro). The leucine residue is highly conserved and there is a moderate physicochemical difference between leucine and proline. This variant is not present in population databases (ExAC no frequency). This variant has not been reported in the literature in individuals affected with ELAC2-related conditions. Algorithms developed to predict the effect of missense changes on protein structure and function are either unavailable or do not agree on the potential impact of this missense change (SIFT: "Tolerated"; PolyPhen-2: "Probably Damaging"; Align-GVGD: "Class C0"). In summary, the available evidence is currently insufficient to determine the role of this variant in disease. Therefore, it has been classified as a Variant of Uncertain Significance.